The following is an entry in ClinVar:

ClinVar aggregate classification (germline): Uncertain significance (1 of 4 stars; one submission).

Conditions:
Symmetrical dyschromatosis of extremities (DSH). Also called: Dyschromatosis symmetrica hereditaria; RETICULATE ACROPIGMENTATION OF DOHI; SYMMETRIC DYSCHROMATOSIS OF THE EXTREMITIES; DYSCHROMATOSIS SYMMETRICA HEREDITARIA 1. Identifiers: Orphanet 41, MedGen C0406775, MONDO:0007483, OMIM 127400.
Aicardi-Goutieres syndrome 6 (AGS6). Identifiers: Orphanet 51, MedGen C3539013, MONDO:0014007, OMIM 615010.

Allele frequency attached by ClinVar (database versions not stated): ExAC 0.00001; gnomAD exomes 0.00001; gnomAD 0.00001.
gnomAD v4.1: 16 of 1,614,158 alleles (0.00099%); highest among the groups gnomAD compares: South Asian, 0.0055%; no homozygotes.

Submission:

Labcorp Genetics (formerly Invitae), Labcorp
Classification: Uncertain significance for Aicardi-Goutieres syndrome 6; Symmetrical dyschromatosis of extremities. Last evaluated: 2026-01-08. Review status: criteria provided, single submitter. Criteria: Invitae Variant Classification Sherloc (09022015). Collection method: clinical testing. Allele origin: germline.
Comment: This sequence change replaces glycine, which is neutral and non-polar, with serine, which is neutral and polar, at codon 1141 of the ADAR protein (p.Gly1141Ser). This variant is present in population databases (rs747865412, gnomAD 0.003%). This variant has not been reported in the literature in individuals affected with ADAR-related conditions. ClinVar contains an entry for this variant (Variation ID: 2072685). Invitae Evidence Modeling of protein sequence and biophysical properties (such as structural, functional, and spatial information, amino acid conservation, physicochemical variation, residue mobility, and thermodynamic stability) indicates that this missense variant is not expected to disrupt ADAR protein function with a negative predictive value of 80%. In summary, the available evidence is currently insufficient to determine the role of this variant in disease. Therefore, it has been classified as a Variant of Uncertain Significance.

NM_001111.5(ADAR):c.3421G>A (p.Gly1141Ser)

Gene: ADAR (adenosine deaminase RNA specific; minus strand). Cytogenetic location: 1q21.3.
Variant type: single nucleotide variant.
Coding change: c.3421G>A on transcript NM_001111.5 (MANE Select); coding-DNA position 3421, G replaced by A.
Protein change: p.Gly1141Ser; replaces glycine 1141 with serine.
Molecular consequence: missense variant.
Genome position (GRCh38, 1-based): chr1:154,585,239, C>T on the plus strand (G>A on the coding strand, the complement: ADAR is on the minus strand). VCF-style: chr1-154585239-C-T. GRCh37 (hg19) VCF-style: chr1-154557715-C-T.
Other names: c.2536G>A, p.Gly846Ser (NM_001025107.3, NM_001193495.2, NM_001365046.1 and 2 more transcripts); c.3448G>A, p.Gly1150Ser (NM_001365045.1); c.2458G>A, p.Gly820Ser (NM_001365049.1); c.3343G>A, p.Gly1115Ser (NM_015840.4); c.3286G>A, p.Gly1096Ser (NM_015841.4); short protein forms G846S, G1096S, G1141S, G1150S, G820S, G1115S.
Identifiers: ClinVar variation 2072685 (VCV002072685.4), dbSNP rs747865412, ClinGen allele CA1130958.